The following is an entry in ClinVar:

ClinVar aggregate classification (germline): Likely benign. Review status: criteria provided, multiple submitters, no conflicts (2 of 4 stars). 3 submissions from 3 submitters: Likely benign (3). Last evaluated 2026-04-01.

Allele frequency attached by ClinVar (database versions not stated): gnomAD 0.00013; TOPMed 0.00030; 1000 Genomes Project 0.00040; ESP Exome Variant Server 0.00046; 1000 Genomes Project 30x 0.00047.

Submissions (3):

CeGaT Center for Human Genetics Tuebingen
Classification: Likely benign. Last evaluated: 2026-04-01. Review status: criteria provided, single submitter. Criteria: CeGaT Center For Human Genetics Tuebingen Variant Classification Criteria Version 2. Collection method: clinical testing. Allele origin: germline. Affected: yes. Observed: 3 variant alleles.
Comment: ECEL1: BP4

Labcorp Genetics (formerly Invitae), Labcorp
Classification: Likely benign. Last evaluated: 2017-07-26. Review status: criteria provided, single submitter. Criteria: Invitae Variant Classification Sherloc (09022015). Collection method: clinical testing. Allele origin: germline.

Breakthrough Genomics
Classification: Likely benign. Review status: criteria provided, single submitter. Criteria: ACMG Guidelines, 2015. Collection method: not provided. Allele origin: germline. Inheritance: Autosomal recessive inheritance. Affected: yes.

NM_004826.4(ECEL1):c.1417C>T (p.Leu473=)

Gene: ECEL1 (endothelin converting enzyme like 1; minus strand). Cytogenetic location: 2q37.1.
Variant type: single nucleotide variant.
Coding change: c.1417C>T on transcript NM_004826.4 (MANE Select); coding-DNA position 1417, C replaced by T.
Protein change: p.Leu473=; no amino-acid change (leucine 473 retained).
Molecular consequence: synonymous variant.
Genome position (GRCh38, 1-based): chr2:232,483,505, G>A on the plus strand (C>T on the coding strand, the complement: ECEL1 is on the minus strand). VCF-style: chr2-232483505-G-A. GRCh37 (hg19) VCF-style: chr2-233348215-G-A.
Other names: c.1417C>T, p.Leu473= (NM_001290787.2).
Identifiers: ClinVar variation 791021 (VCV000791021.28), dbSNP rs147875963, ClinGen allele CA2167297.
Genomic context (GRCh38, chr2:232,483,505, plus strand): 5'-CGTCCATCCAGTCCAGCTCCTCCAGGCGCTGGCCCAGGATGTACTTGATGTCTTCCACTA[G>A]CTGCTGCACCTGCAGGGTCAGGGGTCAGGGAGCAAGGGTCAACCCAGCAGCCTGGTCTAT-3'
Protein context (NP_004817.2, residues 463-483): SAASKAKVQQ[Leu473=]VEDIKYILGQ